The following is an entry in ClinVar:

ClinVar aggregate classification (germline): Uncertain significance (1 of 4 stars; one submission).

Conditions:
RYR1-related disorder. Also called: RYR1-related condition; RYR1-related disorders. Identifiers: MedGen CN239331.

Allele frequency attached by ClinVar (database versions not stated): gnomAD exomes below 0.00001; TOPMed below 0.00001; gnomAD 0.00001.
gnomAD v4.1: 3 of 1,614,000 alleles (0.00019%); highest among the groups gnomAD compares: Non-Finnish European, 0.00025%; no homozygotes.

Submission:

Labcorp Genetics (formerly Invitae), Labcorp
Classification: Uncertain significance for RYR1-related disorder. Last evaluated: 2022-03-27. Review status: criteria provided, single submitter. Criteria: Invitae Variant Classification Sherloc (09022015). Collection method: clinical testing. Allele origin: germline.
Comment: This sequence change replaces glutamic acid, which is acidic and polar, with lysine, which is basic and polar, at codon 3598 of the RYR1 protein (p.Glu3598Lys). This variant is not present in population databases (gnomAD no frequency). This variant has not been reported in the literature in individuals affected with RYR1-related conditions. ClinVar contains an entry for this variant (Variation ID: 1009177). Advanced modeling of protein sequence and biophysical properties (such as structural, functional, and spatial information, amino acid conservation, physicochemical variation, residue mobility, and thermodynamic stability) performed at Invitae indicates that this missense variant is not expected to disrupt RYR1 protein function. In summary, the available evidence is currently insufficient to determine the role of this variant in disease. Therefore, it has been classified as a Variant of Uncertain Significance.

NM_000540.3(RYR1):c.10792G>A (p.Glu3598Lys)

Gene: RYR1 (ryanodine receptor 1; plus strand). Cytogenetic location: 19q13.2.
Variant type: single nucleotide variant.
Coding change: c.10792G>A on transcript NM_000540.3 (MANE Select); coding-DNA position 10792, G replaced by A.
Protein change: p.Glu3598Lys; replaces glutamic acid 3598 with lysine.
Molecular consequence: missense variant.
Genome position (GRCh38, 1-based): chr19:38,527,752, G>A. VCF-style: chr19-38527752-G-A. GRCh37 (hg19) VCF-style: chr19-39018392-G-A.
Other names: c.10777G>A, p.Glu3593Lys (NM_001042723.2); short protein forms E3593K, E3598K.
Identifiers: ClinVar variation 1009177 (VCV001009177.6), dbSNP rs1322440459, ClinGen allele CA405647187.